The following is an entry in ClinVar:

NM_004341.5(CAD):c.571C>T (p.Arg191Ter)

Gene: CAD (carbamoyl-phosphate synthetase 2, aspartate transcarbamylase, and dihydroorotase; plus strand). Cytogenetic location: 2p23.3.
Variant type: single nucleotide variant.
Coding change: c.571C>T on transcript NM_004341.5 (MANE Select); coding-DNA position 571, C replaced by T.
Protein change: p.Arg191Ter; replaces arginine 191 with a stop codon.
Molecular consequence: nonsense.
Genome position (GRCh38, 1-based): chr2:27,222,594, C>T. VCF-style: chr2-27222594-C-T. GRCh37 (hg19) VCF-style: chr2-27445462-C-T.
Other names: c.571C>T, p.Arg191Ter (NM_001306079.2); short protein forms R191*.
Identifiers: ClinVar variation 801658 (VCV000801658.4), dbSNP rs1572423883, ClinGen allele CA346199818.

ClinVar aggregate classification (germline): Pathogenic. Review status: criteria provided, multiple submitters, no conflicts (2 of 4 stars). 2 submissions from 2 submitters: Pathogenic (2). Last evaluated 2023-12-15.

Conditions:
Developmental and epileptic encephalopathy, 50 (DEE50). Also called: Epileptic encephalopathy, early infantile, 50. Identifiers: Orphanet 448010, MedGen C4225320, MONDO:0014647, OMIM 616457.

Allele frequency attached by ClinVar (database versions not stated): TOPMed below 0.00001.

Submissions (2):

Labcorp Genetics (formerly Invitae), Labcorp
Classification: Pathogenic. Last evaluated: 2023-12-15. Review status: criteria provided, single submitter. Criteria: Invitae Variant Classification Sherloc (09022015). Collection method: clinical testing. Allele origin: germline.
Comment: This sequence change creates a premature translational stop signal (p.Arg191*) in the CAD gene. It is expected to result in an absent or disrupted protein product. Loss-of-function variants in CAD are known to be pathogenic (PMID: 28007989, 32117025, 32820246, 33497533). This variant is not present in population databases (gnomAD no frequency). This variant has not been reported in the literature in individuals affected with CAD-related conditions. ClinVar contains an entry for this variant (Variation ID: 801658). For these reasons, this variant has been classified as Pathogenic.

Mendelics
Classification: Pathogenic for Developmental and epileptic encephalopathy, 50. Last evaluated: 2019-05-28. Review status: criteria provided, single submitter. Criteria: Mendelics Assertion Criteria 2017. Collection method: clinical testing. Allele origin: unknown.

Literature cited by the submitters: PubMed 28007989 (cited by Labcorp Genetics (formerly Invitae), Labcorp); PubMed 32117025 (cited by Labcorp Genetics (formerly Invitae), Labcorp); PubMed 32820246 (cited by Labcorp Genetics (formerly Invitae), Labcorp); PubMed 33497533 (cited by Labcorp Genetics (formerly Invitae), Labcorp).